The following is an entry in ClinVar:

ClinVar aggregate classification (germline): Uncertain significance. Review status: criteria provided, multiple submitters, no conflicts (2 of 4 stars). 2 submissions from 2 submitters: Uncertain significance (2). Last evaluated 2025-11-13.

Allele frequency attached by ClinVar (database versions not stated): TOPMed below 0.00001; gnomAD exomes below 0.00001.

Submissions (2):

Ambry Genetics
Classification: Uncertain significance. Last evaluated: 2025-11-13. Review status: criteria provided, single submitter. Criteria: Ambry Variant Classification Scheme 2023. Collection method: clinical testing. Allele origin: germline.

Labcorp Genetics (formerly Invitae), Labcorp
Classification: Uncertain significance. Last evaluated: 2023-08-04. Review status: criteria provided, single submitter. Criteria: Invitae Variant Classification Sherloc (09022015). Collection method: clinical testing. Allele origin: germline.
Comment: ClinVar contains an entry for this variant (Variation ID: 2172478). This sequence change replaces proline, which is neutral and non-polar, with serine, which is neutral and polar, at codon 209 of the SP7 protein (p.Pro209Ser). This variant is present in population databases (no rsID available, gnomAD 0.0009%). This variant has not been reported in the literature in individuals affected with SP7-related conditions. An algorithm developed to predict the effect of missense changes on protein structure and function (PolyPhen-2) suggests that this variant¬†is likely to be tolerated. In summary, the available evidence is currently insufficient to determine the role of this variant in disease. Therefore, it has been classified as a Variant of Uncertain Significance.

NM_001173467.3(SP7):c.625C>T (p.Pro209Ser)

Gene: SP7 (Sp7 transcription factor; minus strand). Cytogenetic location: 12q13.13.
Variant type: single nucleotide variant.
Coding change: c.625C>T on transcript NM_001173467.3 (MANE Select); coding-DNA position 625, C replaced by T.
Protein change: p.Pro209Ser; replaces proline 209 with serine.
Molecular consequence: missense variant.
Genome position (GRCh38, 1-based): chr12:53,328,817, G>A on the plus strand (C>T on the coding strand, the complement: SP7 is on the minus strand). VCF-style: chr12-53328817-G-A. GRCh37 (hg19) VCF-style: chr12-53722601-G-A.
Other names: c.571C>T, p.Pro191Ser (NM_001300837.2); c.625C>T, p.Pro209Ser (NM_152860.2); c.625C>T (NM_001173467.1); short protein forms P209S, P191S.
Identifiers: ClinVar variation 2172478 (VCV002172478.3), dbSNP rs1313605077, ClinGen allele CA385053126.